The following is an entry in ClinVar:

NM_000256.3(MYBPC3):c.3333G>T (p.Glu1111Asp)

Gene: MYBPC3 (myosin binding protein C3; minus strand). Cytogenetic location: 11p11.2.
Variant type: single nucleotide variant.
Coding change: c.3333G>T on transcript NM_000256.3 (MANE Select); coding-DNA position 3333, G replaced by T.
Protein change: p.Glu1111Asp; replaces glutamic acid 1111 with aspartic acid.
Molecular consequence: missense variant.
Genome position (GRCh38, 1-based): chr11:47,332,971, C>A on the plus strand (G>T on the coding strand, the complement: MYBPC3 is on the minus strand). VCF-style: chr11-47332971-C-A. GRCh37 (hg19) VCF-style: chr11-47354522-C-A.
Other names: short protein forms E1111D.
Identifiers: ClinVar variation 2563087 (VCV002563087.6), dbSNP rs1026643094, ClinGen allele CA221682324.

ClinVar aggregate classification (germline): Uncertain significance. Review status: criteria provided, multiple submitters, no conflicts (2 of 4 stars). 4 submissions from 4 submitters: Uncertain significance (4). Last evaluated 2024-12-16.

Conditions:
Cardiomyopathy (CMYO). Also called: Cardiomyopathies. Identifiers: Orphanet 167848, MedGen C0878544, MONDO:0004994, HP:0001638. Inheritance: Various modes of inheritance.
Cardiovascular phenotype. Identifiers: MedGen CN230736.
Hypertrophic cardiomyopathy. Also called: HYPERTROPHIC MYOCARDIOPATHY. Identifiers: Orphanet 217569, MedGen C0007194, MeSH D002312, MONDO:0005045, HP:0001639.

Submissions (4):

Color Diagnostics, LLC DBA Color Health
Classification: Uncertain significance for Cardiomyopathy. Last evaluated: 2024-12-16. Review status: criteria provided, single submitter. Criteria: ACMG Guidelines, 2015. Collection method: clinical testing. Allele origin: germline.
Comment: This missense variant replaces glutamic acid with aspartic acid at codon 1111 of the MYBPC3 protein. Computational prediction suggests that this variant may not impact protein structure and function (internally defined REVEL score threshold <= 0.5, PMID: 27666373). To our knowledge, functional studies have not been reported for this variant. This variant has not been reported in individuals affected with MYBPC3-related disorders in the literature. This variant has been identified in 2/238122 chromosomes in the general population by the Genome Aggregation Database (gnomAD). The available evidence is insufficient to determine the role of this variant in disease conclusively. Therefore, this variant is classified as a Variant of Uncertain Significance.

All of Us Research Program, National Institutes of Health
Classification: Uncertain significance for Hypertrophic cardiomyopathy. Last evaluated: 2024-07-20. Review status: criteria provided, single submitter. Criteria: ACMG Guidelines, 2015. Collection method: clinical testing. Allele origin: germline. Inheritance: Autosomal dominant inheritance. Observed: 1 variant allele, 1 heterozygote.
Comment: This missense variant replaces glutamic acid with aspartic acid at codon 1111 of the MYBPC3 protein. Computational prediction suggests that this variant may not impact protein structure and function (internally defined REVEL score threshold <= 0.5, PMID: 27666373). To our knowledge, functional studies have not been reported for this variant. This variant has not been reported in individuals affected with MYBPC3-related disorders in the literature. This variant has been identified in 2/238122 chromosomes in the general population by the Genome Aggregation Database (gnomAD). The available evidence is insufficient to determine the role of this variant in disease conclusively. Therefore, this variant is classified as a Variant of Uncertain Significance.

This study involves interpretation of variants in research participants for the purpose of population health screening. Participant phenotype was not available at the time of variant classification. Additional details can be found in publication PMID: 35346344, PMCID: PMC8962531

Ambry Genetics
Classification: Uncertain significance for Cardiovascular phenotype. Last evaluated: 2023-04-14. Review status: criteria provided, single submitter. Criteria: Ambry Variant Classification Scheme 2023. Collection method: clinical testing. Allele origin: germline.
Comment: The p.E1111D variant (also known as c.3333G>T), located in coding exon 31 of the MYBPC3 gene, results from a G to T substitution at nucleotide position 3333. The glutamic acid at codon 1111 is replaced by aspartic acid, an amino acid with highly similar properties. This amino acid position is conserved. In addition, the in silico prediction for this alteration is inconclusive. Since supporting evidence is limited at this time, the clinical significance of this alteration remains unclear.

CHEO Genetics Diagnostic Laboratory, Children's Hospital of Eastern Ontario
Classification: Uncertain significance for Cardiomyopathy. Last evaluated: 2022-08-04. Review status: criteria provided, single submitter. Criteria: ACMG Guidelines, 2015. Collection method: clinical testing. Allele origin: germline.